The following is an entry in ClinVar:

ClinVar aggregate classification (germline): Uncertain significance (1 of 4 stars; one submission).

Submission:

GeneDx
Classification: Uncertain significance. Last evaluated: 2022-02-18. Review status: criteria provided, single submitter. Criteria: GeneDx Variant Classification Process June 2021. Collection method: clinical testing. Allele origin: germline. Affected: yes.
Comment: Not observed at significant frequency in large population cohorts (gnomAD); In-frame deletion of 1 amino acid in a non-repeat region; In silico analysis supports a deleterious effect on protein structure/function; Has not been previously published as pathogenic or benign to our knowledge

NM_152296.5(ATP1A3):c.76AAG[1] (p.Lys27del)

Gene: ATP1A3 (ATPase Na+/K+ transporting subunit alpha 3; minus strand). Cytogenetic location: 19q13.2.
Variant type: Microsatellite.
Coding change: c.76AAG[1] on transcript NM_152296.5 (MANE Select); one copy of the 3-base unit AAG starting at c.76; the reference has two copies in a row; one copy, 3 bases deleted.
Protein change: p.Lys27del; deletes lysine 27.
Molecular consequence: inframe deletion.
Genome position (GRCh38, 1-based): chr19:41,988,488-41,988,490, CTT deleted on the plus strand (AAG on the coding strand, the reverse complement: ATP1A3 is on the minus strand); deleting any 3 consecutive bases within chr19:41,988,488-41,988,493 gives the same sequence; the position shown is the placement nearest the transcript's 3' end. VCF-style (leftmost placement, unchanged base first): chr19-41988487-CCTT-C. GRCh37 (hg19) VCF-style: chr19-42492639-CCTT-C.
Other names: c.109AAG[1], p.Lys38del (NM_001256213.2); c.115AAG[1], p.Lys40del (NM_001256214.2); short protein forms K27del, K38del, K40del.
Identifiers: ClinVar variation 1704096 (VCV001704096.2), dbSNP rs2514086484, ClinGen allele CA2580614911.
Genomic context (GRCh38, chr19:41,988,487, plus strand): 5'-AACTGGCGAGGTTCTCTGGGAGGGTGTGCGGGCAGAGGGCGAGGCTTACCATAGCCACCT[CCTT>C]CTTGAGGTCATCCAGGTCCCGGCGCTCCTTGCCCTTGTTCTTCTTGGGTGAGTCCTTGTC-3'